The following is an entry in ClinVar:

ClinVar aggregate classification (germline): Uncertain significance (1 of 4 stars; one submission).

Submission:

Ambry Genetics
Classification: Uncertain significance. Last evaluated: 2025-04-12. Review status: criteria provided, single submitter. Criteria: Ambry Variant Classification Scheme 2023. Collection method: clinical testing. Allele origin: germline.
Comment: The p.S1099P variant (also known as c.3295T>C), located in coding exon 1 of the TET2 gene, results from a T to C substitution at nucleotide position 3295. The serine at codon 1099 is replaced by proline, an amino acid with similar properties. This amino acid position is conserved. In addition, this alteration is predicted to be tolerated by in silico analysis. Based on the available evidence, the clinical significance of this variant remains unclear.

NM_001127208.3(TET2):c.3295T>C (p.Ser1099Pro)

Genes: TET2 (tet methylcytosine dioxygenase 2; plus strand), TET2-AS1 (TET2 antisense RNA 1; minus strand). Cytogenetic location: 4q24.
Variant type: single nucleotide variant.
Coding change: c.3295T>C on transcript NM_001127208.3 (MANE Select); coding-DNA position 3295, T replaced by C.
Protein change: p.Ser1099Pro; replaces serine 1099 with proline.
Molecular consequence: missense variant.
Genome position (GRCh38, 1-based): chr4:105,237,237, T>C. VCF-style: chr4-105237237-T-C. GRCh37 (hg19) VCF-style: chr4-106158394-T-C.
Other names: c.3295T>C, p.Ser1099Pro (NM_017628.4); short protein forms S1099P.
Identifiers: ClinVar variation 3967561 (VCV003967561.1).